The following is an entry in ClinVar:

ClinVar aggregate classification (germline): Uncertain significance (1 of 4 stars; one submission).

Submission:

CeGaT Center for Human Genetics Tuebingen
Classification: Uncertain significance. Last evaluated: 2026-07-01. Review status: criteria provided, single submitter. Criteria: CeGaT Center For Human Genetics Tuebingen Variant Classification Criteria Version 2. Collection method: clinical testing. Allele origin: germline. Affected: yes. Observed: 1 variant allele.
Comment: CFH: PM2, BP4

NM_000186.4(CFH):c.3649A>T (p.Thr1217Ser)

Gene: CFH (complement factor H; plus strand). Cytogenetic location: 1q31.3.
Variant type: single nucleotide variant.
Coding change: c.3649A>T on transcript NM_000186.4 (MANE Select); coding-DNA position 3649, A replaced by T.
Protein change: p.Thr1217Ser; replaces threonine 1217 with serine.
Molecular consequence: missense variant.
Genome position (GRCh38, 1-based): chr1:196,747,266, A>T. VCF-style: chr1-196747266-A-T. GRCh37 (hg19) VCF-style: chr1-196716396-A-T.
Other names: short protein forms T1217S.
Identifiers: ClinVar variation 5039639 (VCV005039639.1).